The following is an entry in ClinVar:

NM_000179.3(MSH6):c.3495C>G (p.Cys1165Trp)

Gene: MSH6 (mutS homolog 6; plus strand). Cytogenetic location: 2p16.3.
Variant type: single nucleotide variant.
Coding change: c.3495C>G on transcript NM_000179.3 (MANE Select); coding-DNA position 3495, C replaced by G.
Protein change: p.Cys1165Trp; replaces cysteine 1165 with tryptophan.
Molecular consequence: missense variant.
Genome position (GRCh38, 1-based): chr2:47,804,966, C>G. VCF-style: chr2-47804966-C-G. GRCh37 (hg19) VCF-style: chr2-48032105-C-G.
Other names: c.3105C>G, p.Cys1035Trp (NM_001281492.2); c.2589C>G, p.Cys863Trp (NM_001281493.2, NM_001281494.2, NM_001406811.1 and 6 more transcripts); c.3591C>G, p.Cys1197Trp (NM_001406795.1, NM_001406802.1); c.3495C>G, p.Cys1165Trp (NM_001406796.1, NM_001406800.1, NM_001406808.1 and 1 more transcripts); c.3198C>G, p.Cys1066Trp (NM_001406797.1, NM_001406801.1, NM_001406805.1 and 10 more transcripts); c.3321C>G, p.Cys1107Trp (NM_001406798.1); c.2970C>G, p.Cys990Trp (NM_001406799.1, NM_001406806.1, NM_001406807.1); c.2631C>G, p.Cys877Trp (NM_001406803.1); and 7 more; short protein forms C863W, C1107W, C114W, C1165W, C1197W, C877W, C92W, C990W.
Identifiers: ClinVar variation 1731977 (VCV001731977.2), dbSNP rs780099145, ClinGen allele CA346760158.

ClinVar aggregate classification (germline): Uncertain significance (1 of 4 stars; one submission).

Conditions:
Hereditary cancer-predisposing syndrome. Also called: Neoplastic Syndromes, Hereditary; Tumor predisposition; Hereditary Cancer Syndrome; Hereditary neoplastic syndrome. Identifiers: Orphanet 140162, MedGen C0027672, MeSH D009386, MONDO:0015356.

Submission:

Ambry Genetics
Classification: Uncertain significance for Hereditary cancer-predisposing syndrome. Last evaluated: 2019-09-18. Review status: criteria provided, single submitter. Criteria: Ambry Variant Classification Scheme 2023. Collection method: clinical testing. Allele origin: germline.
Comment: The p.C1165W variant (also known as c.3495C>G), located in coding exon 6 of the MSH6 gene, results from a C to G substitution at nucleotide position 3495. The cysteine at codon 1165 is replaced by tryptophan, an amino acid with highly dissimilar properties. This amino acid position is well conserved in available vertebrate species. In addition, this alteration is predicted to be deleterious by in silico analysis. Since supporting evidence is limited at this time, the clinical significance of this alteration remains unclear.